The following is an entry in ClinVar:

ClinVar aggregate classification (germline): Uncertain significance (1 of 4 stars; one submission).

Submission:

Labcorp Genetics (formerly Invitae), Labcorp
Classification: Uncertain significance. Last evaluated: 2024-02-18. Review status: criteria provided, single submitter. Criteria: Invitae Variant Classification Sherloc (09022015). Collection method: clinical testing. Allele origin: germline.
Comment: This sequence change replaces valine, which is neutral and non-polar, with isoleucine, which is neutral and non-polar, at codon 462 of the SCN3A protein (p.Val462Ile). This variant is not present in population databases (gnomAD no frequency). This variant has not been reported in the literature in individuals affected with SCN3A-related conditions. Advanced modeling of protein sequence and biophysical properties (such as structural, functional, and spatial information, amino acid conservation, physicochemical variation, residue mobility, and thermodynamic stability) performed at Invitae indicates that this missense variant is not expected to disrupt SCN3A protein function with a negative predictive value of 95%. In summary, the available evidence is currently insufficient to determine the role of this variant in disease. Therefore, it has been classified as a Variant of Uncertain Significance.

NM_006922.4(SCN3A):c.1384G>A (p.Val462Ile)

Gene: SCN3A (sodium voltage-gated channel alpha subunit 3; minus strand). Cytogenetic location: 2q24.3.
Variant type: single nucleotide variant.
Coding change: c.1384G>A on transcript NM_006922.4 (MANE Select); coding-DNA position 1384, G replaced by A.
Protein change: p.Val462Ile; replaces valine 462 with isoleucine.
Molecular consequence: missense variant.
Genome position (GRCh38, 1-based): chr2:165,147,026, C>T on the plus strand (G>A on the coding strand, the complement: SCN3A is on the minus strand). VCF-style: chr2-165147026-C-T. GRCh37 (hg19) VCF-style: chr2-166003536-C-T.
Other names: c.1384G>A, p.Val462Ile (NM_001081676.2, NM_001081677.2); short protein forms V462I.
Identifiers: ClinVar variation 3633988 (VCV003633988.2).